The following is an entry in ClinVar:

ClinVar aggregate classification (germline): Benign. Review status: criteria provided, multiple submitters, no conflicts (2 of 4 stars). 4 submissions from 4 submitters: Benign (4). Last evaluated 2026-01-25.

Conditions:
Retinal dystrophy. Also called: Inherited retinal dystrophy. Identifiers: Orphanet 71862, MedGen C0854723, MeSH D058499, MONDO:0019118, HP:0000556.
Retinitis pigmentosa (RP). Identifiers: Orphanet 791, MedGen C0035334, MeSH D012174, MONDO:0019200, OMIM 268000. Inheritance: Autosomal dominant, autosomal recessive and X linked inheritance.

Allele frequency attached by ClinVar (database versions not stated): gnomAD exomes 0.00190 and 0.00049; 1000 Genomes Project 0.00379; 1000 Genomes Project 30x 0.00453; gnomAD 0.00073 and 0.00090; TOPMed 0.00104; ExAC 0.00176.
gnomAD v4.1: 874 of 1,614,026 alleles (0.054%); highest among the groups gnomAD compares: East Asian, 1.8%; 11 homozygotes.

Submissions (4):

Labcorp Genetics (formerly Invitae), Labcorp
Classification: Benign. Last evaluated: 2026-01-25. Review status: criteria provided, single submitter. Criteria: Invitae Variant Classification Sherloc (09022015). Collection method: clinical testing. Allele origin: germline.

Dept Of Ophthalmology, Nagoya University
Classification: Benign for Retinal dystrophy. Last evaluated: 2023-10-01. Review status: criteria provided, single submitter. Criteria: Submitter's publication. Collection method: research. Allele origin: germline. Affected: yes.

Illumina Laboratory Services, Illumina
Classification: Benign for Retinitis pigmentosa. Last evaluated: 2018-01-13. Review status: criteria provided, single submitter. Criteria: ICSL Variant Classification Criteria 13 December 2019. Collection method: clinical testing. Allele origin: germline.
Comment: This variant was observed in the ICSL laboratory as part of a predisposition screen in an ostensibly healthy population. It had not been previously curated by ICSL or reported in the Human Gene Mutation Database (HGMD: prior to June 1st, 2018), and was therefore a candidate for classification through an automated scoring system. Utilizing variant allele frequency, disease prevalence and penetrance estimates, and inheritance mode, an automated score was calculated to assess if this variant is too frequent to cause the disease. Based on the score and internal cut-off values, a variant classified as benign is not then subjected to further curation. The score for this variant resulted in a classification of benign for this disease.

Breakthrough Genomics
Classification: Benign. Review status: criteria provided, single submitter. Criteria: ACMG Guidelines, 2015. Collection method: not provided. Allele origin: germline. Inheritance: Unknown mechanism. Affected: yes.

NM_005802.5(TOPORS):c.1722G>A (p.Leu574=)

Gene: TOPORS (TOP1 binding arginine/serine rich protein, E3 ubiquitin ligase; minus strand). Cytogenetic location: 9p21.1.
Variant type: single nucleotide variant.
Coding change: c.1722G>A on transcript NM_005802.5 (MANE Select); coding-DNA position 1722, G replaced by A.
Protein change: p.Leu574=; no amino-acid change (leucine 574 retained).
Molecular consequence: synonymous variant.
Genome position (GRCh38, 1-based): chr9:32,542,803, C>T on the plus strand (G>A on the coding strand, the complement: TOPORS is on the minus strand). VCF-style: chr9-32542803-C-T. GRCh37 (hg19) VCF-style: chr9-32542801-C-T.
Other names: c.1527G>A, p.Leu509= (NM_001195622.2).
Identifiers: ClinVar variation 366569 (VCV000366569.17), dbSNP rs12236253, ClinGen allele CA5020483.
Genomic context (GRCh38, chr9:32,542,803, plus strand): 5'-CCTCTTTCTGTGTCTATGGTTATATGGAGAATATACTCTGTCTCCTCTTACAGATGAGTT[C>T]AGGTTTCTGGGAGATGACAATGATGTAGATCGTTTCTCTTCCTTCTTTGATTTGATTCTT-3'
Protein context (NP_005793.2, residues 564-584): RSTSLSSPRN[Leu574=]NSSVRGDRVY